The following is an entry in ClinVar:

NM_005343.4(HRAS):c.489C>G (p.Ile163Met)

Genes: HRAS (HRas proto-oncogene, GTPase; minus strand), LRRC56 (leucine rich repeat containing 56; plus strand). Cytogenetic location: 11p15.5.
Variant type: single nucleotide variant.
Coding change: c.489C>G on transcript NM_005343.4 (MANE Select); coding-DNA position 489, C replaced by G.
Protein change: p.Ile163Met; replaces isoleucine 163 with methionine.
Molecular consequence: missense variant. On other transcripts: 3 prime UTR variant (1).
Genome position (GRCh38, 1-based): chr11:532,717, G>C on the plus strand (C>G on the coding strand, the complement: HRAS is on the minus strand). VCF-style: chr11-532717-G-C. GRCh37 (hg19) VCF-style: chr11-532717-G-C.
Other names: c.489C>G, p.Ile163Met (NM_001130442.3); c.252C>G, p.Ile84Met (NM_001318054.2); c.*58C>G (NM_176795.5); short protein forms I163M, I84M.
Identifiers: ClinVar variation 2416982 (VCV002416982.7), dbSNP rs2133982379, ClinGen allele CA378921153.
Genomic context (GRCh38, chr11:532,717, plus strand): 5'-GCTCATGCAGCCGGGGCCACTCTCATCAGGAGGGTTCAGCTTCCGCAGCTTGTGCTGCCG[G>C]ATCTCACGCACCAACGTGTAGAAGGCATCCTCCACTCCCTGGGAAAGGAGGGATGGGATC-3'
Protein context (NP_005334.1, residues 153-173): EDAFYTLVRE[Ile163Met]RQHKLRKLNP

ClinVar aggregate classification (germline): Uncertain significance (1 of 4 stars; one submission).

Conditions:
Costello syndrome (CSTLO). Also called: HRAS-Related Costello Syndrome; FACIOCUTANEOSKELETAL SYNDROME; FCS SYNDROME. Identifiers: Orphanet 3071, MedGen C0587248, MONDO:0009026, OMIM 218040.

Submission:

Labcorp Genetics (formerly Invitae), Labcorp
Classification: Uncertain significance for Costello syndrome. Last evaluated: 2022-03-20. Review status: criteria provided, single submitter. Criteria: Invitae Variant Classification Sherloc (09022015). Collection method: clinical testing. Allele origin: germline.
Comment: In summary, the available evidence is currently insufficient to determine the role of this variant in disease. Therefore, it has been classified as a Variant of Uncertain Significance. Advanced modeling of protein sequence and biophysical properties (such as structural, functional, and spatial information, amino acid conservation, physicochemical variation, residue mobility, and thermodynamic stability) performed at Invitae indicates that this missense variant is not expected to disrupt HRAS protein function. This variant has not been reported in the literature in individuals affected with HRAS-related conditions. This variant is not present in population databases (gnomAD no frequency). This sequence change replaces isoleucine, which is neutral and non-polar, with methionine, which is neutral and non-polar, at codon 163 of the HRAS protein (p.Ile163Met).